The following is an entry in ClinVar:

NM_138713.4(NFAT5):c.3709C>T (p.Pro1237Ser)

Gene: NFAT5 (nuclear factor of activated T cells 5; plus strand). Cytogenetic location: 16q22.1.
Variant type: single nucleotide variant.
Coding change: c.3709C>T on transcript NM_138713.4 (MANE Select); coding-DNA position 3709, C replaced by T.
Protein change: p.Pro1237Ser; replaces proline 1237 with serine.
Molecular consequence: missense variant.
Genome position (GRCh38, 1-based): chr16:69,693,534, C>T. VCF-style: chr16-69693534-C-T. GRCh37 (hg19) VCF-style: chr16-69727437-C-T.
Other names: c.3427C>T, p.Pro1143Ser (NM_138714.4, NM_173214.3, NM_173215.3); c.3706C>T, p.Pro1236Ser (NM_001113178.3); c.3034C>T, p.Pro1012Ser (NM_001367709.1); c.3655C>T, p.Pro1219Ser (NM_006599.4); c.3709C>T (NM_138713.3); short protein forms P1012S, P1143S, P1219S, P1236S, P1237S.
Identifiers: ClinVar variation 2176182 (VCV002176182.5), dbSNP rs745802873, ClinGen allele CA8135936.

ClinVar aggregate classification (germline): Uncertain significance. Review status: criteria provided, multiple submitters, no conflicts (2 of 4 stars). 2 submissions from 2 submitters: Uncertain significance (2). Last evaluated 2025-04-02.

Conditions:
Immunodeficiency. Identifiers: MedGen C0021051, MONDO:0021094, HP:0002721.

Allele frequency attached by ClinVar (database versions not stated): gnomAD exomes below 0.00001; ExAC 0.00001; TOPMed 0.00001.
gnomAD v4.1: 1 of 1,614,164 alleles (0.000062%); highest among the groups gnomAD compares: Admixed American, 0.0017%; no homozygotes.

Submissions (2):

Ambry Genetics
Classification: Uncertain significance. Last evaluated: 2025-04-02. Review status: criteria provided, single submitter. Criteria: Ambry Variant Classification Scheme 2023. Collection method: clinical testing. Allele origin: germline.

Labcorp Genetics (formerly Invitae), Labcorp
Classification: Uncertain significance for Immunodeficiency. Last evaluated: 2024-11-18. Review status: criteria provided, single submitter. Criteria: Invitae Variant Classification Sherloc (09022015). Collection method: clinical testing. Allele origin: germline.
Comment: This sequence change replaces proline, which is neutral and non-polar, with serine, which is neutral and polar, at codon 1143 of the NFAT5 protein (p.Pro1143Ser). This variant is present in population databases (rs745802873, gnomAD 0.003%). This variant has not been reported in the literature in individuals affected with NFAT5-related conditions. ClinVar contains an entry for this variant (Variation ID: 2176182). An algorithm developed to predict the effect of missense changes on protein structure and function (PolyPhen-2) suggests that this variant is likely to be tolerated. In summary, the available evidence is currently insufficient to determine the role of this variant in disease. Therefore, it has been classified as a Variant of Uncertain Significance.